The following is an entry in ClinVar:

ClinVar aggregate classification (germline): Conflicting classifications of pathogenicity. Review status: criteria provided, conflicting classifications (1 of 4 stars). 2 submissions from 2 submitters: Uncertain significance (1); Benign (1). Last evaluated 2026-06-13.

Conditions:
Inborn genetic diseases. Identifiers: MedGen C0950123, MeSH D030342.

Submissions (2):

Ambry Genetics
Classification: Uncertain significance for Inborn genetic diseases. Last evaluated: 2026-06-13. Review status: criteria provided, single submitter. Criteria: Ambry Variant Classification Scheme 2023. Collection method: clinical testing. Allele origin: germline.
Comment: The p.A604T variant (also known as c.1810G>A), located in coding exon 17 of the ANKRD26 gene, results from a G to A substitution at nucleotide position 1810. The alanine at codon 604 is replaced by threonine, an amino acid with similar properties. This amino acid position is conserved. In addition, this alteration is predicted to be tolerated by in silico analysis. Based on the available evidence, the clinical significance of this variant remains unclear.

Laboratory of Genetics, Children's Clinical University Hospital Latvia
Classification: Benign. Last evaluated: 2025-02-16. Review status: criteria provided, single submitter. Criteria: ACMG Guidelines, 2015. Collection method: clinical testing. Allele origin: germline. Affected: yes.

NM_014915.3(ANKRD26):c.1810G>A (p.Ala604Thr)

Gene: ANKRD26 (ankyrin repeat domain 26; minus strand). Cytogenetic location: 10p12.1.
Variant type: single nucleotide variant.
Coding change: c.1810G>A on transcript NM_014915.3 (MANE Select); coding-DNA position 1810, G replaced by A.
Protein change: p.Ala604Thr; replaces alanine 604 with threonine.
Molecular consequence: missense variant.
Genome position (GRCh38, 1-based): chr10:27,048,805, C>T on the plus strand (G>A on the coding strand, the complement: ANKRD26 is on the minus strand). VCF-style: chr10-27048805-C-T. GRCh37 (hg19) VCF-style: chr10-27337734-C-T.
Other names: c.1810G>A, p.Ala604Thr (NM_001256053.2); short protein forms A604T.
Identifiers: ClinVar variation 3910805 (VCV003910805.2).